The following is an entry in ClinVar:

ClinVar aggregate classification (germline): Uncertain significance (1 of 4 stars; one submission).

gnomAD v4.1: 2 of 1,614,114 alleles (0.00012%); highest among the groups gnomAD compares: Non-Finnish European, 0.000085%; no homozygotes.

Submission:

Labcorp Genetics (formerly Invitae), Labcorp
Classification: Uncertain significance. Last evaluated: 2024-07-04. Review status: criteria provided, single submitter. Criteria: Invitae Variant Classification Sherloc (09022015). Collection method: clinical testing. Allele origin: germline.
Comment: This sequence change replaces arginine, which is basic and polar, with histidine, which is basic and polar, at codon 412 of the KLF10 protein (p.Arg412His). This variant is present in population databases (rs762715494, gnomAD 0.0009%). This variant has not been reported in the literature in individuals affected with KLF10-related conditions. An algorithm developed to predict the effect of missense changes on protein structure and function (PolyPhen-2) suggests that this variant is likely to be disruptive. In summary, the available evidence is currently insufficient to determine the role of this variant in disease. Therefore, it has been classified as a Variant of Uncertain Significance.

NM_005655.4(KLF10):c.1235G>A (p.Arg412His)

Gene: KLF10 (KLF transcription factor 10; minus strand). Cytogenetic location: 8q22.3.
Variant type: single nucleotide variant.
Coding change: c.1235G>A on transcript NM_005655.4 (MANE Select); coding-DNA position 1235, G replaced by A.
Protein change: p.Arg412His; replaces arginine 412 with histidine.
Molecular consequence: missense variant. On other transcripts: non-coding transcript variant (2).
Genome position (GRCh38, 1-based): chr8:102,650,340, C>T on the plus strand (G>A on the coding strand, the complement: KLF10 is on the minus strand). VCF-style: chr8-102650340-C-T. GRCh37 (hg19) VCF-style: chr8-103662568-C-T.
Other names: c.1202G>A, p.Arg401His (NM_001032282.4); short protein forms R401H, R412H.
Identifiers: ClinVar variation 3610625 (VCV003610625.2).
Genomic context (GRCh38, chr8:102,650,340, plus strand): 5'-GGGCACGCAAATTTCTTCTCACCCGTGTGGGTTCGCCTGTGTCTGGACAGTTCATCAGAA[C>T]GGGCAAACCTCCTTTCACAACCTTTCCAGCTACAGCTGAAAGGCTTTTCTCCTAAAACAA-3'
Protein context (NP_005646.1, residues 402-422): SWKGCERRFA[Arg412His]SDELSRHRRT